The following is an entry in ClinVar:

NM_004304.5(ALK):c.2633-2A>C

Gene: ALK (ALK receptor tyrosine kinase; minus strand). Cytogenetic location: 2p23.2.
Variant type: single nucleotide variant.
Coding change: c.2633-2A>C on transcript NM_004304.5 (MANE Select); the canonical splice acceptor site of the intron before coding-DNA position 2633, A replaced by C.
Molecular consequence: splice acceptor variant.
Genome position (GRCh38, 1-based): chr2:29,229,068, T>G on the plus strand (A>C on the coding strand, the complement: ALK is on the minus strand). VCF-style: chr2-29229068-T-G. GRCh37 (hg19) VCF-style: chr2-29451934-T-G.
Identifiers: ClinVar variation 3729270 (VCV003729270.2).

ClinVar aggregate classification (germline): Uncertain significance (1 of 4 stars; one submission).

Conditions:
Neuroblastoma, susceptibility to, 3. Also called: ALK-Related Neuroblastic Tumor Susceptibility. Identifiers: Orphanet 635, MedGen C2751681, MONDO:0013083, OMIM 613014.

Submission:

Labcorp Genetics (formerly Invitae), Labcorp
Classification: Uncertain significance for Neuroblastoma, susceptibility to, 3. Last evaluated: 2025-07-16. Review status: criteria provided, single submitter. Criteria: Invitae Variant Classification Sherloc (09022015). Collection method: clinical testing. Allele origin: germline.
Comment: This sequence change affects an acceptor splice site in intron 15 of the ALK gene. It is expected to disrupt RNA splicing. Variants that disrupt the donor or acceptor splice site typically lead to a loss of protein function (PMID: 16199547), however the current clinical and genetic evidence is not sufficient to establish whether loss-of-function variants in ALK cause disease. This variant is not present in population databases (gnomAD no frequency). This variant has not been reported in the literature in individuals affected with ALK-related conditions. ClinVar contains an entry for this variant (Variation ID: 3729270). Algorithms developed to predict the effect of sequence changes on RNA splicing suggest that this variant may disrupt the consensus splice site. In summary, the available evidence is currently insufficient to determine the role of this variant in disease. Therefore, it has been classified as a Variant of Uncertain Significance.

Literature cited by the submitters: PubMed 16199547.